The following is an entry in ClinVar:

NM_004064.5(CDKN1B):c.-266C>G

Gene: CDKN1B (cyclin dependent kinase inhibitor 1B; plus strand). Cytogenetic location: 12p13.1.
Variant type: single nucleotide variant.
Coding change: c.-266C>G on transcript NM_004064.5 (MANE Select); 266 bases upstream of the start codon, C replaced by G.
Molecular consequence: 5 prime UTR variant.
Genome position (GRCh38, 1-based): chr12:12,717,574, C>G. VCF-style: chr12-12717574-C-G. GRCh37 (hg19) VCF-style: chr12-12870508-C-G.
Identifiers: ClinVar variation 307654 (VCV000307654.29), dbSNP rs3093728, ClinGen allele CA10641331.
Genomic context (GRCh38, chr12:12,717,574, plus strand): 5'-GGTTCGCGGGACCCGCGGGCTTGCACCCGCCCAGACTCGGACGGGCTTTGCCACCCTCTC[C>G]GCTTGCCTGGTCCCCTCTCCTCTCCGCCCTCCCGCTCGCCAGTCCATTTGATCAGCGGAG-3'

ClinVar aggregate classification (germline): Benign. Review status: criteria provided, multiple submitters, no conflicts (2 of 4 stars). 2 submissions from 2 submitters: Benign (2). Last evaluated 2022-10-01.

Conditions:
Multiple endocrine neoplasia type 4. Also called: MULTIPLE ENDOCRINE NEOPLASIA, TYPE IV. Identifiers: Orphanet 276152, MedGen C1970712, MONDO:0012552, OMIM 610755.

Allele frequency attached by ClinVar (database versions not stated): 1000 Genomes Project 0.00180; 1000 Genomes Project 30x 0.00234; TOPMed 0.00352; gnomAD 0.00371 and 0.00372.
gnomAD v4.1: 6,670 of 1,419,380 alleles (0.47%); highest among the groups gnomAD compares: South Asian, 0.53%; 24 homozygotes.

Submissions (2):

CeGaT Center for Human Genetics Tuebingen
Classification: Benign. Last evaluated: 2022-10-01. Review status: criteria provided, single submitter. Criteria: CeGaT Center For Human Genetics Tuebingen Variant Classification Criteria Version 2. Collection method: clinical testing. Allele origin: germline. Affected: yes. Observed: 3 variant alleles.
Comment: CDKN1B: BS1, BS2

Illumina Laboratory Services, Illumina
Classification: Benign for Multiple endocrine neoplasia type 4. Last evaluated: 2018-01-12. Review status: criteria provided, single submitter. Criteria: ICSL Variant Classification Criteria 13 December 2019. Collection method: clinical testing. Allele origin: germline.
Comment: This variant was observed in the ICSL laboratory as part of a predisposition screen in an ostensibly healthy population. It had not been previously curated by ICSL or reported in the Human Gene Mutation Database (HGMD: prior to June 1st, 2018), and was therefore a candidate for classification through an automated scoring system. Utilizing variant allele frequency, disease prevalence and penetrance estimates, and inheritance mode, an automated score was calculated to assess if this variant is too frequent to cause the disease. Based on the score and internal cut-off values, a variant classified as benign is not then subjected to further curation. The score for this variant resulted in a classification of benign for this disease.